The following is an entry in ClinVar:

NM_198252.3(GSN):c.-9-2008C>G

Gene: GSN (gelsolin; plus strand). Cytogenetic location: 9q33.2.
Variant type: single nucleotide variant.
Coding change: c.-9-2008C>G on transcript NM_198252.3 (MANE Select); 2008 bases into the intron before 9 bases upstream of the start codon, C replaced by G.
Molecular consequence: intron variant. On other transcripts: missense variant (1).
Genome position (GRCh38, 1-based): chr9:121,299,955, C>G. VCF-style: chr9-121299955-C-G. GRCh37 (hg19) VCF-style: chr9-124062233-C-G.
Other names: c.94C>G, p.Arg32Gly (NM_000177.5); c.-9-2008C>G (NM_001353054.1, NM_001353053.1, NM_001353060.2 and 5 more transcripts); c.-47-101C>G (NM_001353064.2, NM_001353066.2, NM_001353072.2 and 8 more transcripts); c.-1-2016C>G (NM_001353058.2, NM_001353059.2, NM_001353056.2 and 1 more transcripts); c.-38-110C>G (NM_001353073.2, NM_001353065.2, NM_001353068.2 and 2 more transcripts); c.100-2008C>G (NM_001127663.2); c.-32-116C>G (NM_001353070.2); c.-48-1969C>G (NM_001353055.2); and 3 more; short protein forms R32G.
Identifiers: ClinVar variation 5040447 (VCV005040447.1).
Genomic context (GRCh38, chr9:121,299,955, plus strand): 5'-TGCGCGCTGTCCCTGGCGCTGTGCGCGCTGTCGCTGCCCGTCCGCGCGGCCACTGCGTCG[C>G]GGGGGGCGTCCCAGGCGGGGGCGCCCCAGGGGCGGGTGCCCGAGGCGCGGGTGAGTGCCC-3'

ClinVar aggregate classification (germline): Uncertain significance (1 of 4 stars; one submission).

Submission:

CeGaT Center for Human Genetics Tuebingen
Classification: Uncertain significance. Last evaluated: 2026-08-01. Review status: criteria provided, single submitter. Criteria: CeGaT Center For Human Genetics Tuebingen Variant Classification Criteria Version 2. Collection method: clinical testing. Allele origin: germline. Affected: yes. Observed: 1 variant allele.
Comment: GSN: PM2